The following is an entry in ClinVar:

NM_001042492.3(NF1):c.3129A>C (p.Glu1043Asp)

Gene: NF1 (neurofibromin 1; plus strand). Cytogenetic location: 17q11.2.
Variant type: single nucleotide variant.
Coding change: c.3129A>C on transcript NM_001042492.3 (MANE Select); coding-DNA position 3129, A replaced by C.
Protein change: p.Glu1043Asp; replaces glutamic acid 1043 with aspartic acid.
Molecular consequence: missense variant.
Genome position (GRCh38, 1-based): chr17:31,230,857, A>C. VCF-style: chr17-31230857-A-C. GRCh37 (hg19) VCF-style: chr17-29557875-A-C.
Other names: c.3129A>C, p.Glu1043Asp (NM_000267.4); short protein forms E1043D.
Identifiers: ClinVar variation 966168 (VCV000966168.10), dbSNP rs1597717530, ClinGen allele CA398987909.

ClinVar aggregate classification (germline): Conflicting classifications of pathogenicity. Review status: criteria provided, conflicting classifications (1 of 4 stars). 2 submissions from 2 submitters: Uncertain significance (1); Likely benign (1). Last evaluated 2025-09-22.

Conditions:
Cardiovascular phenotype. Identifiers: MedGen CN230736.
Hereditary cancer-predisposing syndrome. Also called: Hereditary neoplastic syndrome; Hereditary Cancer Syndrome; Tumor predisposition; Neoplastic Syndromes, Hereditary. Identifiers: Orphanet 140162, MedGen C0027672, MeSH D009386, MONDO:0015356.
Neurofibromatosis, type 1 (NF1). Also called: Neurofibromatosis, type I; Peripheral type neurofibromatosis; VON RECKLINGHAUSEN DISEASE; NEUROFIBROMATOSIS, TYPE I, SOMATIC. Identifiers: Orphanet 636, MedGen C0027831, MONDO:0018975, OMIM 162200. Disease mechanism: loss of function.

Allele frequency attached by ClinVar (database versions not stated): gnomAD exomes below 0.00001.
gnomAD v4.1: 1 of 1,607,536 alleles (0.000062%); highest among the groups gnomAD compares: South Asian, 0.0011%; no homozygotes.

Submissions (2):

Labcorp Genetics (formerly Invitae), Labcorp
Classification: Likely benign for Neurofibromatosis, type 1. Last evaluated: 2025-09-22. Review status: criteria provided, single submitter. Criteria: Invitae Variant Classification Sherloc (09022015). Collection method: clinical testing. Allele origin: germline.

Ambry Genetics
Classification: Uncertain significance for Cardiovascular phenotype; Hereditary cancer-predisposing syndrome. Last evaluated: 2025-05-29. Review status: criteria provided, single submitter. Criteria: Ambry Variant Classification Scheme 2023. Collection method: clinical testing. Allele origin: germline.
Comment: The p.E1043D variant (also known as c.3129A>C), located in coding exon 24 of the NF1 gene, results from an A to C substitution at nucleotide position 3129. The glutamic acid at codon 1043 is replaced by aspartic acid, an amino acid with highly similar properties. This amino acid position is highly conserved in available vertebrate species. In addition, this alteration is predicted to be tolerated by in silico analysis. Based on the available evidence, the clinical significance of this variant remains unclear.